The following is an entry in ClinVar:

NM_006231.4(POLE):c.661A>G (p.Met221Val)

Gene: POLE (DNA polymerase epsilon, catalytic subunit; minus strand). Cytogenetic location: 12q24.33.
Variant type: single nucleotide variant.
Coding change: c.661A>G on transcript NM_006231.4 (MANE Select); coding-DNA position 661, A replaced by G.
Protein change: p.Met221Val; replaces methionine 221 with valine.
Molecular consequence: missense variant.
Genome position (GRCh38, 1-based): chr12:132,677,637, T>C on the plus strand (A>G on the coding strand, the complement: POLE is on the minus strand). VCF-style: chr12-132677637-T-C. GRCh37 (hg19) VCF-style: chr12-133254223-T-C.
Other names: short protein forms M221V.
Identifiers: ClinVar variation 1005272 (VCV001005272.13), dbSNP rs920291083, ClinGen allele CA387364975.
Genomic context (GRCh38, chr12:132,677,637, plus strand): 5'-CCACGTGGATCTTCAGGTCAATGGAGAGGCGGATGTGGTAGGGAACATCGTACTCGCGCA[T>C]GTCCACAATGTTGTCCAACTGGTCAGCTATCTTCTTAGAGGTTTCCTCTTCATCAGTAAT-3'
Protein context (NP_006222.2, residues 211-231): IADQLDNIVD[Met221Val]REYDVPYHIR

ClinVar aggregate classification (germline): Uncertain significance. Review status: criteria provided, multiple submitters, no conflicts (2 of 4 stars). 2 submissions from 2 submitters: Uncertain significance (2). Last evaluated 2025-01-07.

Conditions:
Hereditary cancer-predisposing syndrome. Also called: Hereditary neoplastic syndrome; Neoplastic Syndromes, Hereditary; Tumor predisposition; Hereditary Cancer Syndrome. Identifiers: Orphanet 140162, MedGen C0027672, MeSH D009386, MONDO:0015356.

Allele frequency attached by ClinVar (database versions not stated): gnomAD exomes below 0.00001; TOPMed below 0.00001.
gnomAD v4.1: 2 of 1,614,210 alleles (0.00012%); highest among the groups gnomAD compares: Non-Finnish European, 0.000085%; no homozygotes.

Submissions (2):

Ambry Genetics
Classification: Uncertain significance for Hereditary cancer-predisposing syndrome. Last evaluated: 2025-01-07. Review status: criteria provided, single submitter. Criteria: Ambry Variant Classification Scheme 2023. Collection method: clinical testing. Allele origin: germline.
Comment: The p.M221V variant (also known as c.661A>G), located in coding exon 7 of the POLE gene, results from an A to G substitution at nucleotide position 661. The methionine at codon 221 is replaced by valine, an amino acid with highly similar properties. This amino acid position is conserved. In addition, the in silico prediction for this alteration is inconclusive. Based on the available evidence, the clinical significance of this variant remains unclear.

Labcorp Genetics (formerly Invitae), Labcorp
Classification: Uncertain significance. Last evaluated: 2024-04-15. Review status: criteria provided, single submitter. Criteria: Invitae Variant Classification Sherloc (09022015). Collection method: clinical testing. Allele origin: germline.
Comment: This sequence change replaces methionine, which is neutral and non-polar, with valine, which is neutral and non-polar, at codon 221 of the POLE protein (p.Met221Val). This variant is not present in population databases (gnomAD no frequency). This variant has not been reported in the literature in individuals affected with POLE-related conditions. ClinVar contains an entry for this variant (Variation ID: 1005272). Advanced modeling of protein sequence and biophysical properties (such as structural, functional, and spatial information, amino acid conservation, physicochemical variation, residue mobility, and thermodynamic stability) performed at Invitae indicates that this missense variant is not expected to disrupt POLE protein function with a negative predictive value of 80%. In summary, the available evidence is currently insufficient to determine the role of this variant in disease. Therefore, it has been classified as a Variant of Uncertain Significance.